The following is an entry in ClinVar:

ClinVar aggregate classification (germline): Uncertain significance (1 of 4 stars; one submission).

Conditions:
Hypertrophic cardiomyopathy 26. Also called: Cardiomyopathy, familial hypertrophic, 26. Identifiers: Orphanet 75249, MedGen C4310749, MONDO:0014883, OMIM 617047.
Myofibrillar myopathy 5. Also called: Filaminopathy (type); FILAMINOPATHY, AUTOSOMAL DOMINANT. Identifiers: Orphanet 171445, MedGen C1836050, MONDO:0012289, OMIM 609524.
Distal myopathy with posterior leg and anterior hand involvement. Also called: WILLIAMS DISTAL MYOPATHY. Identifiers: Orphanet 63273, MedGen C3279722, MONDO:0013550, OMIM 614065.

Submission:

Labcorp Genetics (formerly Invitae), Labcorp
Classification: Uncertain significance for Distal myopathy with posterior leg and anterior hand involvement; Myofibrillar myopathy 5; Hypertrophic cardiomyopathy 26. Last evaluated: 2025-05-15. Review status: criteria provided, single submitter. Criteria: Invitae Variant Classification Sherloc (09022015). Collection method: clinical testing. Allele origin: germline.
Comment: This variant, c.2131_2145del, results in the deletion of 5 amino acid(s) of the FLNC protein (p.Gly711_Asp715del), but otherwise preserves the integrity of the reading frame. This variant is not present in population databases (gnomAD no frequency). This variant has not been reported in the literature in individuals affected with FLNC-related conditions. ClinVar contains an entry for this variant (Variation ID: 2941425). This variant disrupts a region of the FLNC protein in which other variant(s) (p.Ile714Thr) have been observed in individuals with FLNC-related conditions (PMID: 31627847). This suggests that this is a clinically significant region of the protein, and that variants that disrupt it are likely to be disease-causing. In summary, the available evidence is currently insufficient to determine the role of this variant in disease. Therefore, it has been classified as a Variant of Uncertain Significance.

Literature cited by the submitters: PubMed 31627847.

NM_001458.5(FLNC):c.2131_2145del (p.Gly711_Asp715del)

Genes: FLNC (filamin C; plus strand), LOC129999273 (ATAC-STARR-seq lymphoblastoid silent region 18616; plus strand). Cytogenetic location: 7q32.1.
Variant type: Deletion.
Coding change: c.2131_2145del on transcript NM_001458.5 (MANE Select); coding-DNA positions 2131 to 2145, 15 bases deleted (GGCTGTCCCATCGAC).
Protein change: p.Gly711_Asp715del.
Molecular consequence: inframe deletion.
Genome position (GRCh38, 1-based): chr7:128,842,240-128,842,254, GGCTGTCCCATCGAC deleted; deleting any 15 consecutive bases within chr7:128,842,236-128,842,254 gives the same sequence; the c. name uses the placement nearest the transcript's 3' end. VCF-style (leftmost placement, unchanged base first): chr7-128842235-CCGACGGCTGTCCCAT-C. GRCh37 (hg19) VCF-style: chr7-128482289-CCGACGGCTGTCCCAT-C.
Other names: c.2131_2145del, p.Gly711_Asp715del (NM_001127487.2).
Identifiers: ClinVar variation 2941425 (VCV002941425.3), dbSNP rs2536630304, ClinGen allele CA2740097556.